The following is an entry in ClinVar:

ClinVar aggregate classification (germline): Uncertain significance (1 of 4 stars; one submission).

Allele frequency attached by ClinVar (database versions not stated): gnomAD exomes 0.00002 and 0.00001; gnomAD 0.00001.
gnomAD v4.1: 20 of 1,557,612 alleles (0.0013%); highest among the groups gnomAD compares: African/African-American, 0.0027%; no homozygotes.

Submission:

GeneDx
Classification: Uncertain significance. Last evaluated: 2025-08-05. Review status: criteria provided, single submitter. Criteria: GeneDx Variant Classification Process June 2021. Collection method: clinical testing. Allele origin: germline. Affected: yes.
Comment: In silico analysis suggests that this missense variant does not alter protein structure/function; Has not been previously published as pathogenic or benign to our knowledge

NM_004700.4(KCNQ4):c.1156G>A (p.Val386Met)

Gene: KCNQ4 (potassium voltage-gated channel subfamily Q member 4; plus strand). Cytogenetic location: 1p34.2.
Variant type: single nucleotide variant.
Coding change: c.1156G>A on transcript NM_004700.4 (MANE Select); coding-DNA position 1156, G replaced by A.
Protein change: p.Val386Met; replaces valine 386 with methionine.
Molecular consequence: missense variant. On other transcripts: intron variant (1).
Genome position (GRCh38, 1-based): chr1:40,824,122, G>A. VCF-style: chr1-40824122-G-A. GRCh37 (hg19) VCF-style: chr1-41289794-G-A.
Other names: c.1130+1720G>A (NM_172163.3); short protein forms V386M.
Identifiers: ClinVar variation 1331134 (VCV001331134.3), dbSNP rs1301376340, ClinGen allele CA339897971.